The following is an entry in ClinVar:

NM_004519.4(KCNQ3):c.1264C>T (p.Gln422Ter)

Gene: KCNQ3 (potassium voltage-gated channel subfamily Q member 3; minus strand). Cytogenetic location: 8q24.22.
Variant type: single nucleotide variant.
Coding change: c.1264C>T on transcript NM_004519.4 (MANE Select); coding-DNA position 1264, C replaced by T.
Protein change: p.Gln422Ter; replaces glutamine 422 with a stop codon.
Molecular consequence: nonsense.
Genome position (GRCh38, 1-based): chr8:132,141,330, G>A on the plus strand (C>T on the coding strand, the complement: KCNQ3 is on the minus strand). VCF-style: chr8-132141330-G-A. GRCh37 (hg19) VCF-style: chr8-133153577-G-A.
Other names: c.904C>T, p.Gln302Ter (NM_001204824.2); short protein forms Q302*, Q422*.
Identifiers: ClinVar variation 4726206 (VCV004726206.1).

ClinVar aggregate classification (germline): Pathogenic (1 of 4 stars; one submission).

Conditions:
Benign neonatal seizures. Also called: Benign familial neonatal seizures; Convulsions benign familial neonatal dominant form; Autosomal dominant form of benign neonatal seizures; Benign neonatal familial convulsions; Benign familial neonatal epilepsy. Identifiers: Orphanet 1949, MedGen C0220669, MONDO:0016027.

Submission:

Labcorp Genetics (formerly Invitae), Labcorp
Classification: Pathogenic for Benign neonatal seizures. Last evaluated: 2025-08-29. Review status: criteria provided, single submitter. Criteria: Invitae Variant Classification Sherloc (09022015). Collection method: clinical testing. Allele origin: germline.
Comment: This sequence change creates a premature translational stop signal (p.Gln422*) in the KCNQ3 gene. It is expected to result in an absent or disrupted protein product. Loss-of-function variants in KCNQ3 are known to be pathogenic (PMID: 29383681, 29852413). This variant is not present in population databases (gnomAD no frequency). This variant has not been reported in the literature in individuals affected with KCNQ3-related conditions. For these reasons, this variant has been classified as Pathogenic.

Literature cited by the submitters: PubMed 29383681; PubMed 29852413.